The following is an entry in ClinVar:

ClinVar aggregate classification (germline): Pathogenic. Review status: reviewed by expert panel (3 of 4 stars). 4 submissions from 4 submitters: Pathogenic (1). 3 of the submissions do not count toward it. Last evaluated 2017-12-15.

Conditions:
Breast-ovarian cancer, familial, susceptibility to, 2 (BROVCA2). Also called: BRCA2 Hereditary Breast and Ovarian Cancer. Identifiers: Orphanet 145, MedGen C2675520, MONDO:0012933, OMIM 612555. Disease mechanism: loss of function.
Hereditary cancer-predisposing syndrome. Also called: Tumor predisposition; Neoplastic Syndromes, Hereditary; Hereditary neoplastic syndrome; Hereditary Cancer Syndrome. Identifiers: Orphanet 140162, MedGen C0027672, MeSH D009386, MONDO:0015356.

Submissions (4):

Evidence-based Network for the Interpretation of Germline Mutant Alleles (ENIGMA)
Classification: Pathogenic for Breast-ovarian cancer, familial, susceptibility to, 2. Last evaluated: 2017-12-15. Review status: reviewed by expert panel. Criteria: ENIGMA BRCA1/2 Classification Criteria (2017-06-29). Collection method: curation. Allele origin: germline. Study: ENIGMA.
Comment: Variant allele predicted to encode a truncated non-functional protein.

3billion
Classification: Pathogenic for Breast-ovarian cancer, familial, susceptibility to, 2. Last evaluated: 2025-11-25. Review status: criteria provided, single submitter. Criteria: ACMG Guidelines, 2015. Collection method: clinical testing. Allele origin: germline. Affected: yes. Not counted in ClinVar's aggregate classification.
Comment: The variant is not observed in the gnomAD v4.1.0 dataset. Predicted Consequence/Location: Frameshift: predicted to result in a loss or disruption of normal protein function through nonsense-mediated decay (NMD) or protein truncation. Multiple pathogenic variants are reported downstream of the variant. The variant has been reported multiple times as an established pathogenic variant (ClinVar ID: VCV000252445). Therefore, this variant is classified as Pathogenic according to the recommendation of ACMG/AMP guideline.

Color Diagnostics, LLC DBA Color Health
Classification: Pathogenic for Hereditary cancer-predisposing syndrome. Last evaluated: 2023-12-11. Review status: criteria provided, single submitter. Criteria: ACMG Guidelines, 2015. Collection method: clinical testing. Allele origin: germline. Not counted in ClinVar's aggregate classification.
Comment: This variant inserts 2 nucleotides in exon 11 of the BRCA2 gene, creating a frameshift and premature translation stop signal. This variant is expected to result in an absent or non-functional protein product. To our knowledge, this variant has not been reported in individuals affected with BRCA2-related disorders in the literature. This variant has not been identified in the general population by the Genome Aggregation Database (gnomAD). Loss of BRCA2 function is a known mechanism of disease. Based on the available evidence, this variant is classified as Pathogenic.

GeneKor MSA
Classification: Pathogenic. Last evaluated: 2020-01-01. Review status: criteria provided, single submitter. Criteria: ACMG Guidelines, 2015. Collection method: clinical testing. Allele origin: germline. Not counted in ClinVar's aggregate classification.
Comment: This sequence change inserts two bases in exon 11 of the BRCA2 mRNA (c.5379_5380insTT), causing a frameshift after codon 1794 and the creation of a premature translation stop signal 2 amino acid residues later, p.(Val1794Leufs*2). This is expected to result in an absent or disrupted protein product. Truncating variants in BRCA2 are known to be pathogenic. The mutation database Clinvar contains entries for this variant (Variation ID: 252445).

NM_000059.4(BRCA2):c.5379_5380insTT (p.Val1794fs)

Gene: BRCA2 (BRCA2 DNA repair associated; plus strand). Cytogenetic location: 13q13.1.
Variant type: Insertion.
Coding change: c.5379_5380insTT on transcript NM_000059.4 (MANE Select); coding-DNA positions 5379 to 5380, TT inserted.
Protein change: p.Val1794fs; shifts the reading frame from valine 1794.
Molecular consequence: frameshift variant.
Genome position: GRCh38 VCF-style: chr13-32339733-A-ATT. GRCh37 (hg19) VCF-style: chr13-32913870-A-ATT.
Other names: short protein forms V1794fs.
Identifiers: ClinVar variation 252445 (VCV000252445.5), dbSNP rs879255329, ClinGen allele CA10585933.